The following is an entry in ClinVar:

NM_015450.3(POT1):c.1373G>T (p.Gly458Val)

Gene: POT1 (protection of telomeres 1; minus strand). Cytogenetic location: 7q31.33.
Variant type: single nucleotide variant.
Coding change: c.1373G>T on transcript NM_015450.3 (MANE Select); coding-DNA position 1373, G replaced by T.
Protein change: p.Gly458Val; replaces glycine 458 with valine.
Molecular consequence: missense variant. On other transcripts: non-coding transcript variant (3).
Genome position (GRCh38, 1-based): chr7:124,835,411, C>A on the plus strand (G>T on the coding strand, the complement: POT1 is on the minus strand). VCF-style: chr7-124835411-C-A. GRCh37 (hg19) VCF-style: chr7-124475465-C-A.
Other names: c.980G>T, p.Gly327Val (NM_001042594.2); short protein forms G327V, G458V.
Identifiers: ClinVar variation 2562069 (VCV002562069.2), dbSNP rs1562977976, ClinGen allele CA369066067.
Genomic context (GRCh38, chr7:124,835,411, plus strand): 5'-GATCTCACAGGAATTACACTATTAAACTTGTTCGAGAGTTTGCAAATTTCACTGAGTGTA[C>A]CTCCTGTTAAGAGAATAAATAAATCCTTCAAGTAGTGCAAATAAAATGTAGACAAGTACA-3'
Protein context (NP_056265.2, residues 448-468): SNECLLLIEG[Gly458Val]TLSEICKLSN

ClinVar aggregate classification (germline): Uncertain significance (1 of 4 stars; one submission).

Conditions:
Hereditary cancer-predisposing syndrome. Also called: Neoplastic Syndromes, Hereditary; Hereditary Cancer Syndrome; Hereditary neoplastic syndrome; Tumor predisposition. Identifiers: Orphanet 140162, MedGen C0027672, MeSH D009386, MONDO:0015356.

Submission:

Ambry Genetics
Classification: Uncertain significance for Hereditary cancer-predisposing syndrome. Last evaluated: 2023-04-25. Review status: criteria provided, single submitter. Criteria: Ambry Variant Classification Scheme 2023. Collection method: clinical testing. Allele origin: germline.
Comment: The p.G458V variant (also known as c.1373G>T), located in coding exon 11 of the POT1 gene, results from a G to T substitution at nucleotide position 1373. The glycine at codon 458 is replaced by valine, an amino acid with dissimilar properties. This amino acid position is conserved. In addition, the in silico prediction for this alteration is inconclusive. Since supporting evidence is limited at this time, the clinical significance of this alteration remains unclear.